The following is an entry in ClinVar:

ClinVar aggregate classification (germline): Conflicting classifications of pathogenicity. Review status: criteria provided, conflicting classifications (1 of 4 stars). 7 submissions from 7 submitters: Pathogenic (1); Uncertain significance (4); Likely benign (1). 1 of the submissions does not count toward it. Last evaluated 2025-11-18.

Conditions:
NPHP4-related disorder. Also called: NPHP4-related condition; NPHP4-related disorders. Identifiers: MedGen CN239384.
Nephronophthisis. Also called: Juvenile Nephronophthisis. Identifiers: Orphanet 655, MedGen C0687120, MONDO:0019005, HP:0000090.
Senior-Loken syndrome 4 (SLSN4). Identifiers: Orphanet 3156, MedGen C1846979, MONDO:0011756, OMIM 606996.
Nephronophthisis 4 (NPHP4). Also called: NEPHRONOPHTHISIS 4, JUVENILE. Identifiers: Orphanet 655, MedGen C1847013, MONDO:0011752, OMIM 606966.

Allele frequency attached by ClinVar (database versions not stated): gnomAD below 0.00001 and 0.00011; TOPMed 0.00002; gnomAD exomes 0.00025 and 0.00053; ExAC 0.00064; 1000 Genomes Project 30x 0.00094; 1000 Genomes Project 0.00120.
gnomAD v4.1: 391 of 1,614,050 alleles (0.024%); highest among the groups gnomAD compares: South Asian, 0.39%; 4 homozygotes.

Submissions (7):

Labcorp Genetics (formerly Invitae), Labcorp
Classification: Likely benign for Nephronophthisis. Last evaluated: 2025-11-18. Review status: criteria provided, single submitter. Criteria: Invitae Variant Classification Sherloc (09022015). Collection method: clinical testing. Allele origin: germline.

Blueprint Genetics
Classification: Uncertain significance. Last evaluated: 2024-11-13. Review status: criteria provided, single submitter. Criteria: ACMG Guidelines, 2015. Collection method: clinical testing. Allele origin: germline.

Neuberg Centre For Genomic Medicine, NCGM
Classification: Uncertain significance for Nephronophthisis 4. Last evaluated: 2023-05-20. Review status: criteria provided, single submitter. Criteria: ACMG Guidelines, 2015. Collection method: clinical testing. Allele origin: germline. Inheritance: Autosomal recessive inheritance. Affected: yes.
Comment: The observed missense variant c.2029C>T(p.Pro677Ser) in the NPHP4 gene has not been reported previously as a pathogenic variant nor as a benign variant, to our knowledge. This variant is reported with the allele frequency 0.05% in the gnomAD Exomes. This variant has been reported to the ClinVar database as Pathogenic/Uncertain significance/Likely benign. The amino acid Proline at position 677 is changed to a Serine changing protein sequence and it might alter its composition and physico-chemical properties. Multiple lines of computational evidence (Polyphen - Damaging, SIFT - Damaging and MutationTaster - Disease causing) predict a damaging effect on protein structure and function for this variant. The residue is conserved by GERP++ and PhyloP across 100 vertebrates. For these reasons, this variant has been classified as Uncertain Significance.

Foundation for Research in Genetics and Endocrinology, FRIGE's Institute of Human Genetics
Classification: Uncertain significance for Nephronophthisis 4. Last evaluated: 2022-08-08. Review status: criteria provided, single submitter. Criteria: ACMG Guidelines, 2015. Collection method: clinical testing. Allele origin: germline. Inheritance: Autosomal recessive inheritance. Affected: yes. Observed: 1 heterozygote.
Comment: A heterozygous missense variation in exon 16 of the NPHP4 gene (chr1:g.5904731G>A; Depth: 156x) that results in the amino acid substitution of Serine for Proline at codon 677 (p.Pro677Ser; ENST00000378156.9) was detected (Table). This variant has a minor allele frequency of 0.1%, 0.006% in the 1000 genomes, gnomAD . The in silico predictions# of the variant are probably damaging by PolyPhen-2 (HumDiv), damaging by SIFT and MutationTaster2. The reference codon is conserved across species. In summary, the variant meets our criteria to classified as variant of uncertain significance.

Centre for Genomic Medicine, Manchester, Central Manchester University Hospitals
Classification: Pathogenic for Senior-Loken syndrome 4. Last evaluated: 2019-02-01. Review status: criteria provided, single submitter. Criteria: ACMG Guidelines, 2015. Collection method: clinical testing. Allele origin: germline. Affected: yes. Observed: 1 variant allele, 1 compound heterozygote.

Eurofins Ntd Llc (ga)
Classification: Uncertain significance. Last evaluated: 2016-12-05. Review status: criteria provided, single submitter. Criteria: EGL Classification Definitions 2015. Collection method: clinical testing. Allele origin: germline. Observed: 1 variant allele, 1 heterozygote.

PreventionGenetics, part of Exact Sciences
Classification: Likely benign for NPHP4-related condition. Last evaluated: 2024-04-17. Review status: no assertion criteria provided. Collection method: clinical testing. Allele origin: germline. Not counted in ClinVar's aggregate classification.
Comment: This variant is classified as likely benign based on ACMG/AMP sequence variant interpretation guidelines (Richards et al. 2015 PMID: 25741868, with internal and published modifications).

NM_015102.5(NPHP4):c.2029C>T (p.Pro677Ser)

Gene: NPHP4 (nephrocystin 4; minus strand). Cytogenetic location: 1p36.31.
Variant type: single nucleotide variant.
Coding change: c.2029C>T on transcript NM_015102.5 (MANE Select); coding-DNA position 2029, C replaced by T.
Protein change: p.Pro677Ser; replaces proline 677 with serine.
Molecular consequence: missense variant. On other transcripts: non-coding transcript variant (1).
Genome position (GRCh38, 1-based): chr1:5,904,731, G>A on the plus strand (C>T on the coding strand, the complement: NPHP4 is on the minus strand). VCF-style: chr1-5904731-G-A. GRCh37 (hg19) VCF-style: chr1-5964791-G-A.
Other names: p.Pro677Ser; c.490C>T, p.Pro164Ser (NM_001291593.2); c.493C>T, p.Pro165Ser (NM_001291594.2); short protein forms P677S, P164S, P165S.
Identifiers: ClinVar variation 499066 (VCV000499066.17), dbSNP rs547495754, ClinGen allele CA554298.
Genomic context (GRCh38, chr1:5,904,731, plus strand): 5'-CAGAGCTGGGCTGGCCGGCCTCATCCAGCTGGACCAGCTGCAGTCGTGGCGTCGTTGCGG[G>A]TGGGAAGCGGTAGAACTGGAAGGTGAAATACACAGTCTTTGGCCATGATGTTCCTCGGCA-3'
Protein context (NP_055917.1, residues 667-687): YFTFQFYRFP[Pro677Ser]ATTPRLQLVQ